The following is an entry in ClinVar:

ClinVar aggregate classification (germline): Uncertain significance (1 of 4 stars; one submission).

Submission:

Ambry Genetics
Classification: Uncertain significance. Last evaluated: 2024-11-18. Review status: criteria provided, single submitter. Criteria: Ambry Variant Classification Scheme 2023. Collection method: clinical testing. Allele origin: germline.
Comment: The c.478G>A (p.G160R) alteration is located in exon 4 (coding exon 4) of the EIF5A gene. This alteration results from a G to A substitution at nucleotide position 478, causing the glycine (G) at amino acid position 160 to be replaced by an arginine (R). This variant was not reported in population-based cohorts in the Genome Aggregation Database (gnomAD). This amino acid position is highly conserved in available vertebrate species. This missense alteration is located in a region that has a low rate of benign missense variation (Lek, 2016; Firth, 2009). The in silico prediction for this alteration is inconclusive. Based on insufficient or conflicting evidence, the clinical significance of this alteration remains unclear.

NM_001970.5(EIF5A):c.388G>A (p.Gly130Arg)

Gene: EIF5A (eukaryotic translation initiation factor 5A; plus strand). Cytogenetic location: 17p13.1.
Variant type: single nucleotide variant.
Coding change: c.388G>A on transcript NM_001970.5 (MANE Select); coding-DNA position 388, G replaced by A.
Protein change: p.Gly130Arg; replaces glycine 130 with arginine.
Molecular consequence: missense variant.
Genome position (GRCh38, 1-based): chr17:7,311,467, G>A. VCF-style: chr17-7311467-G-A. GRCh37 (hg19) VCF-style: chr17-7214786-G-A.
Other names: c.478G>A, p.Gly160Arg (NM_001143760.1); c.388G>A, p.Gly130Arg (NM_001143761.1, NM_001143762.2, NM_001370420.1 and 1 more transcripts); short protein forms G160R, G130R.
Identifiers: ClinVar variation 3507711 (VCV003507711.1).